The following is an entry in ClinVar:

NM_016579.4(CD320):c.658G>A (p.Gly220Arg)

Gene: CD320 (CD320 molecule; minus strand). Cytogenetic location: 19p13.2.
Variant type: single nucleotide variant.
Coding change: c.658G>A on transcript NM_016579.4 (MANE Select); coding-DNA position 658, G replaced by A.
Protein change: p.Gly220Arg; replaces glycine 220 with arginine.
Molecular consequence: missense variant.
Genome position (GRCh38, 1-based): chr19:8,302,825, C>T on the plus strand (G>A on the coding strand, the complement: CD320 is on the minus strand). VCF-style: chr19-8302825-C-T. GRCh37 (hg19) VCF-style: chr19-8367709-C-T.
Other names: p.G220R:GGA>AGA; c.532G>A, p.Gly178Arg (NM_001165895.2); short protein forms G220R, G178R.
Identifiers: ClinVar variation 136684 (VCV000136684.13), dbSNP rs2336573, ClinGen allele CA289989.

ClinVar aggregate classification (germline): Benign. Review status: criteria provided, multiple submitters, no conflicts (2 of 4 stars). 4 submissions from 4 submitters: Benign (4). Last evaluated 2026-02-02.

Conditions:
Methylmalonic acidemia due to transcobalamin receptor defect (MATR). Also called: METHYLMALONIC ACIDEMIA, TCblR TYPE; METHYLMALONIC ACIDURIA, TRANSIENT, DUE TO TRANSCOBALAMIN RECEPTOR DEFECT. Identifiers: Orphanet 280183, MedGen C4749905, MONDO:0013341, OMIM 613646.

Allele frequency attached by ClinVar (database versions not stated): ExAC 0.06352; TOPMed 0.12670; ESP Exome Variant Server 0.13117; 1000 Genomes Project 0.13219; gnomAD exomes 0.05853 and 0.04301; gnomAD 0.11503 and 0.12012; 1000 Genomes Project 30x 0.13429.
gnomAD v4.1: 81,242 of 1,613,920 alleles (5%); highest among the groups gnomAD compares: African/African-American, 31%; 4,826 homozygotes.

Submissions (14):

Labcorp Genetics (formerly Invitae), Labcorp
Classification: Benign for Methylmalonic acidemia due to transcobalamin receptor defect. Last evaluated: 2026-02-02. Review status: criteria provided, single submitter. Criteria: Invitae Variant Classification Sherloc (09022015). Collection method: clinical testing. Allele origin: germline.

Mayo Clinic Laboratories, Mayo Clinic
Classification: Benign. Last evaluated: 2024-11-14. Review status: criteria provided, single submitter. Criteria: ACMG Guidelines, 2015. Collection method: clinical testing. Allele origin: germline. Observed: 11 variant alleles.
Comment: BA1, BP4

GeneDx
Classification: Benign. Last evaluated: 2013-11-26. Review status: criteria provided, single submitter. Criteria: GeneDx Variant Classification (06012015). Collection method: clinical testing. Allele origin: germline. Affected: yes.
Comment: This variant is considered likely benign or benign based on one or more of the following criteria: it is a conservative change, it occurs at a poorly conserved position in the protein, it is predicted to be benign by multiple in silico algorithms, and/or has population frequency not consistent with disease.

Breakthrough Genomics
Classification: Benign. Review status: criteria provided, single submitter. Criteria: ACMG Guidelines, 2015. Collection method: not provided. Allele origin: germline. Inheritance: Autosomal recessive inheritance. Affected: yes.

Dr. Peter K. Rogan Lab, Western University
No classification provided (evidence only). Condition: Colorectal cancer. Review status: no classification provided. Collection method: in vitro. Allele origin: not applicable. Functional consequence: retained intron. Not counted in ClinVar's aggregate classification.

Dr. Peter K. Rogan Lab, Western University
No classification provided (evidence only). Condition: Malignant lymphoma, large B-cell, diffuse. Review status: no classification provided. Collection method: in vitro. Allele origin: not applicable. Functional consequence: retained intron. Not counted in ClinVar's aggregate classification.

Dr. Peter K. Rogan Lab, Western University
No classification provided (evidence only). Condition: Thymoma. Review status: no classification provided. Collection method: in vitro. Allele origin: not applicable. Functional consequence: retained intron. Not counted in ClinVar's aggregate classification.

Dr. Peter K. Rogan Lab, Western University
No classification provided (evidence only). Condition: Thymoma. Review status: no classification provided. Collection method: in vitro. Allele origin: not applicable. Functional consequence: retained intron. Not counted in ClinVar's aggregate classification.

Dr. Peter K. Rogan Lab, Western University
No classification provided (evidence only). Condition: Thymoma. Review status: no classification provided. Collection method: in vitro. Allele origin: not applicable. Functional consequence: retained intron. Not counted in ClinVar's aggregate classification.

Dr. Peter K. Rogan Lab, Western University
No classification provided (evidence only). Condition: Adrenocortical carcinoma, hereditary. Review status: no classification provided. Collection method: in vitro. Allele origin: not applicable. Functional consequence: retained intron. Not counted in ClinVar's aggregate classification.

Dr. Peter K. Rogan Lab, Western University
No classification provided (evidence only). Condition: Uterine carcinosarcoma. Review status: no classification provided. Collection method: in vitro. Allele origin: not applicable. Functional consequence: retained intron. Not counted in ClinVar's aggregate classification.

Dr. Peter K. Rogan Lab, Western University
No classification provided (evidence only). Condition: Uterine carcinosarcoma. Review status: no classification provided. Collection method: in vitro. Allele origin: not applicable. Functional consequence: retained intron. Not counted in ClinVar's aggregate classification.

Dr. Peter K. Rogan Lab, Western University
No classification provided (evidence only). Condition: Uveal melanoma. Review status: no classification provided. Collection method: in vitro. Allele origin: not applicable. Functional consequence: retained intron. Not counted in ClinVar's aggregate classification.

Dr. Peter K. Rogan Lab, Western University
No classification provided (evidence only). Condition: Uveal melanoma. Review status: no classification provided. Collection method: in vitro. Allele origin: not applicable. Functional consequence: retained intron. Not counted in ClinVar's aggregate classification.